The following is an entry in ClinVar:

NM_001058.4(TACR1):c.1134G>A (p.Ser378=)

Gene: TACR1 (tachykinin receptor 1; minus strand). Cytogenetic location: 2p12.
Variant type: single nucleotide variant.
Coding change: c.1134G>A on transcript NM_001058.4 (MANE Select); coding-DNA position 1134, G replaced by A.
Protein change: p.Ser378=; no amino-acid change (serine 378 retained).
Molecular consequence: synonymous variant.
Genome position (GRCh38, 1-based): chr2:75,049,522, C>T on the plus strand (G>A on the coding strand, the complement: TACR1 is on the minus strand). VCF-style: chr2-75049522-C-T. GRCh37 (hg19) VCF-style: chr2-75276649-C-T.
Identifiers: ClinVar variation 3059844 (VCV003059844.2), dbSNP rs34117315, ClinGen allele CA1732008.

ClinVar aggregate classification (germline): Benign (0 of 4 stars; one submission).

Conditions:
TACR1-related disorder. Also called: TACR1-related condition.

Allele frequency attached by ClinVar (database versions not stated): gnomAD exomes 0.00658; ExAC 0.01881; gnomAD 0.03055; ESP Exome Variant Server 0.03183; TOPMed 0.03314; 1000 Genomes Project 0.05970; 1000 Genomes Project 30x 0.06168.
gnomAD v4.1: 14,549 of 1,614,160 alleles (0.9%); highest among the groups gnomAD compares: African/African-American, 9.2%; 532 homozygotes.

Submission:

PreventionGenetics, part of Exact Sciences
Classification: Benign for TACR1-related condition. Last evaluated: 2019-06-18. Review status: no assertion criteria provided. Collection method: clinical testing. Allele origin: germline.
Comment: This variant is classified as benign based on ACMG/AMP sequence variant interpretation guidelines (Richards et al. 2015 PMID: 25741868, with internal and published modifications).